The following is an entry in ClinVar:

ClinVar aggregate classification (germline): Uncertain significance (1 of 4 stars; one submission).

Conditions:
Dilated cardiomyopathy 1G (CMD1G). Identifiers: Orphanet 154, MedGen C1858763, MONDO:0011400, OMIM 604145.
Autosomal recessive limb-girdle muscular dystrophy type 2J (LGMDR10). Also called: MUSCULAR DYSTROPHY, LIMB-GIRDLE, AUTOSOMAL RECESSIVE 10; Limb-girdle muscular dystrophy, type 2J. Identifiers: Orphanet 140922, MedGen C1837342, MONDO:0012127, OMIM 608807.

Allele frequency attached by ClinVar (database versions not stated): gnomAD exomes 0.00001.
gnomAD v4.1: 11 of 1,613,554 alleles (0.00068%); highest among the groups gnomAD compares: Admixed American, 0.018%; no homozygotes.

Submission:

Labcorp Genetics (formerly Invitae), Labcorp
Classification: Uncertain significance for Dilated cardiomyopathy 1G; Autosomal recessive limb-girdle muscular dystrophy type 2J. Last evaluated: 2024-10-15. Review status: criteria provided, single submitter. Criteria: Invitae Variant Classification Sherloc (09022015). Collection method: clinical testing. Allele origin: germline.
Comment: This sequence change replaces valine, which is neutral and non-polar, with isoleucine, which is neutral and non-polar, at codon 34050 of the TTN protein (p.Val34050Ile). This variant is not present in population databases (gnomAD no frequency). This variant has not been reported in the literature in individuals affected with TTN-related conditions. ClinVar contains an entry for this variant (Variation ID: 664300). An algorithm developed to predict the effect of missense changes on protein structure and function outputs the following: PolyPhen-2: "Not Available". The isoleucine amino acid residue is found in multiple mammalian species, which suggests that this missense change does not adversely affect protein function. This variant is located in the M band of TTN (PMID: 25589632). Non-truncating variants in this region may be relevant for neuromuscular disorders, but have not been definitively shown to cause cardiomyopathy (PMID: 23975875). In summary, the available evidence is currently insufficient to determine the role of this variant in disease. Therefore, it has been classified as a Variant of Uncertain Significance.

Literature cited by the submitters: PubMed 25589632; PubMed 23975875.

NM_001267550.2(TTN):c.102148G>A (p.Val34050Ile)

Genes: TTN-AS1 (TTN antisense RNA 1; plus strand), TTN (titin; minus strand). Cytogenetic location: 2q31.2.
Variant type: single nucleotide variant.
Coding change: c.102148G>A on transcript NM_001267550.2 (MANE Select); coding-DNA position 102148, G replaced by A.
Protein change: p.Val34050Ile; replaces valine 34050 with isoleucine.
Molecular consequence: missense variant.
Genome position (GRCh38, 1-based): chr2:178,534,467, C>T on the plus strand (G>A on the coding strand, the complement: TTN is on the minus strand). VCF-style: chr2-178534467-C-T. GRCh37 (hg19) VCF-style: chr2-179399194-C-T.
Other names: c.97225G>A, p.Val32409Ile (NM_001256850.1); c.74953G>A, p.Val24985Ile (NM_003319.4); c.94444G>A, p.Val31482Ile (NM_133378.4); c.75328G>A, p.Val25110Ile (NM_133432.3); c.75529G>A, p.Val25177Ile (NM_133437.4); short protein forms V24985I, V25177I, V34050I, V32409I, V25110I, V31482I.
Identifiers: ClinVar variation 664300 (VCV000664300.9), dbSNP rs1575280335, ClinGen allele CA349418250.
Genomic context (GRCh38, chr2:178,534,467, plus strand): 5'-GCTGGAGAGCCTCCGATGCTGTCATGCGAGATTTCCTCTCTTTCACTAACAACCGGTCAA[C>T]AAAATCCATGGCTTCAATGCTAATCTCTTTGAATGCTTCCTCATCGAAAGTATATTCAGC-3'
Protein context (NP_001254479.2, residues 34040-34060): KEISIEAMDF[Val34050Ile]DRLLVKERKS